The following is an entry in ClinVar:

NM_003108.4(SOX11):c.900C>G (p.Gly300=)

Gene: SOX11 (SRY-box transcription factor 11; plus strand). Cytogenetic location: 2p25.2.
Variant type: single nucleotide variant.
Coding change: c.900C>G on transcript NM_003108.4 (MANE Select); coding-DNA position 900, C replaced by G.
Protein change: p.Gly300=; no amino-acid change (glycine 300 retained).
Molecular consequence: synonymous variant.
Genome position (GRCh38, 1-based): chr2:5,693,621, C>G. VCF-style: chr2-5693621-C-G. GRCh37 (hg19) VCF-style: chr2-5833753-C-G.
Identifiers: ClinVar variation 2028501 (VCV002028501.4), dbSNP rs1352066726, ClinGen allele CA424762904.

ClinVar aggregate classification (germline): Uncertain significance (1 of 4 stars; one submission).

Allele frequency attached by ClinVar (database versions not stated): gnomAD 0.00001; TOPMed 0.00001.
gnomAD v4.1: 5 of 1,570,280 alleles (0.00032%); highest among the groups gnomAD compares: East Asian, 0.012%; no homozygotes.

Submission:

Labcorp Genetics (formerly Invitae), Labcorp
Classification: Uncertain significance. Last evaluated: 2023-08-10. Review status: criteria provided, single submitter. Criteria: Invitae Variant Classification Sherloc (09022015). Collection method: clinical testing. Allele origin: germline.
Comment: In summary, the available evidence is currently insufficient to determine the role of this variant in disease. Therefore, it has been classified as a Variant of Uncertain Significance. ClinVar contains an entry for this variant (Variation ID: 2028501). This variant has not been reported in the literature in individuals affected with SOX11-related conditions. The frequency data for this variant in the population databases is considered unreliable, as metrics indicate poor data quality at this position in the gnomAD database. This sequence change affects codon 300 of the SOX11 mRNA. It is a 'silent' change, meaning that it does not change the encoded amino acid sequence of the SOX11 protein.